The following is an entry in ClinVar:

NM_001144967.3(NEDD4L):c.1099A>G (p.Thr367Ala)

Gene: NEDD4L (NEDD4 like E3 ubiquitin protein ligase; plus strand). Cytogenetic location: 18q21.31.
Variant type: single nucleotide variant.
Coding change: c.1099A>G on transcript NM_001144967.3 (MANE Select); coding-DNA position 1099, A replaced by G.
Protein change: p.Thr367Ala; replaces threonine 367 with alanine.
Molecular consequence: missense variant. On other transcripts: intron variant (5).
Genome position (GRCh38, 1-based): chr18:58,335,511, A>G. VCF-style: chr18-58335511-A-G. GRCh37 (hg19) VCF-style: chr18-56002743-A-G.
Other names: c.736A>G, p.Thr246Ala (NM_001144964.1, NM_001144965.2, NM_001144966.3); c.1075A>G, p.Thr359Ala (NM_001144968.2); c.1065+1619A>G (NM_015277.6, NM_001243960.2); c.702+1619A>G (NM_001144971.2, NM_001144970.3); c.1041+1619A>G (NM_001144969.2); short protein forms T246A, T359A, T367A.
Identifiers: ClinVar variation 3375157 (VCV003375157.1).

ClinVar aggregate classification (germline): Uncertain significance (1 of 4 stars; one submission).

gnomAD v4.1: 5 of 1,613,572 alleles (0.00031%); highest among the groups gnomAD compares: Admixed American, 0.0033%; no homozygotes.

Submission:

Women's Health and Genetics/Laboratory Corporation of America, LabCorp
Classification: Uncertain significance. Last evaluated: 2024-09-27. Review status: criteria provided, single submitter. Criteria: LabCorp Variant Classification Summary - May 2015. Collection method: clinical testing. Allele origin: germline.
Comment: Variant summary: NEDD4L c.1099A>G (p.Thr367Ala) results in a non-conservative amino acid change in the encoded protein sequence. Three of five in-silico tools predict a benign effect of the variant on protein function. The variant allele was found at a frequency of 4e-06 in 248884 control chromosomes. The available data on variant occurrences in the general population are insufficient to allow any conclusion about variant significance. To our knowledge, no occurrence of c.1099A>G in individuals affected with Periventricular Nodular Heterotopia 7 and no experimental evidence demonstrating its impact on protein function have been reported. No submitters have cited clinical-significance assessments for this variant to ClinVar. Based on the evidence outlined above, the variant was classified as uncertain significance.